The following is an entry in ClinVar:

ClinVar aggregate classification (germline): Pathogenic (1 of 4 stars; one submission).

Conditions:
Usher syndrome type 1 (USH1). Also called: RETINITIS PIGMENTOSA AND CONGENITAL DEAFNESS. Identifiers: Orphanet 231169, Orphanet 886, MedGen C1568247, MONDO:0010168, OMIM 276900.

Submission:

Myriad Genetics, Inc.
Classification: Pathogenic for Usher syndrome type 1. Last evaluated: 2025-05-28. Review status: criteria provided, single submitter. Criteria: Myriad Autosomal Dominant, Autosomal Recessive and X-Linked Classification Criteria (2023). Collection method: clinical testing. Allele origin: unknown.
Comment: NM_000260.3(MYO7A):c.2195dupA(H732Qfs*2) is expected to be pathogenic in the context of MYO7A-related disorders. This variant is predicted to lead to an abnormal or absent protein product due to the creation of a premature termination codon in MYO7A, a gene where loss-of-function variants are known to be pathogenic. Please note: this variant was assessed in the context of healthy population screening.

NM_000260.4(MYO7A):c.2195dup (p.His732fs)

Gene: MYO7A (myosin VIIA; plus strand). Cytogenetic location: 11q13.5.
Variant type: Duplication.
Coding change: c.2195dup on transcript NM_000260.4 (MANE Select); coding-DNA position 2195, one base duplicated (A; older notation c.2195dupA).
Protein change: p.His732fs; shifts the reading frame from histidine 732.
Molecular consequence: frameshift variant.
Genome position (GRCh38, 1-based): chr11:77,177,556, A duplicated. VCF-style (leftmost placement, unchanged base first): chr11-77177555-C-CA. GRCh37 (hg19) VCF-style: chr11-76888601-C-CA.
Other names: c.2195dup, p.His732fs (NM_001127180.2); c.2162dup, p.His721fs (NM_001369365.1); short protein forms H721fs, H732fs.
Identifiers: ClinVar variation 5014530 (VCV005014530.1).